The following is an entry in ClinVar:

NM_021620.4(PRDM13):c.966C>T (p.Ala322=)

Genes: PRDM13 (PR/SET domain 13; plus strand), LOC129996881 (ATAC-STARR-seq lymphoblastoid silent region 17422; plus strand). Cytogenetic location: 6q16.2.
Variant type: single nucleotide variant.
Coding change: c.966C>T on transcript NM_021620.4 (MANE Select); coding-DNA position 966, C replaced by T.
Protein change: p.Ala322=; no amino-acid change (alanine 322 retained).
Molecular consequence: synonymous variant.
Genome position (GRCh38, 1-based): chr6:99,613,601, C>T. VCF-style: chr6-99613601-C-T. GRCh37 (hg19) VCF-style: chr6-100061477-C-T.
Other names: c.966C>T (NM_021620.3).
Identifiers: ClinVar variation 1564001 (VCV001564001.10), dbSNP rs773266503, ClinGen allele CA3936307.

ClinVar aggregate classification (germline): Likely benign. Review status: criteria provided, multiple submitters, no conflicts (2 of 4 stars). 3 submissions from 3 submitters: Likely benign (3). Last evaluated 2026-04-16.

Conditions:
PRDM13-related disorder. Also called: PRDM13-related condition.

Allele frequency attached by ClinVar (database versions not stated): gnomAD exomes 0.00007; ExAC 0.00016; 1000 Genomes Project 30x 0.00047.

Submissions (3):

PreventionGenetics, part of Exact Sciences
Classification: Likely benign for PRDM13-related condition. Last evaluated: 2026-04-16. Review status: criteria provided, single submitter. Criteria: ACMG Guidelines, 2015. Collection method: clinical testing. Allele origin: germline.
Comment: This variant is classified as likely benign based on ACMG/AMP sequence variant interpretation guidelines (Richards et al. 2015 PMID: 25741868, with internal and published modifications).

Labcorp Genetics (formerly Invitae), Labcorp
Classification: Likely benign. Last evaluated: 2025-07-21. Review status: criteria provided, single submitter. Criteria: Invitae Variant Classification Sherloc (09022015). Collection method: clinical testing. Allele origin: germline.

Blueprint Genetics
Classification: Likely benign. Last evaluated: 2024-08-20. Review status: criteria provided, single submitter. Criteria: ACMG Guidelines, 2015. Collection method: clinical testing. Allele origin: germline.